The following is an entry in ClinVar:

ClinVar aggregate classification (germline): Uncertain significance (1 of 4 stars; one submission).

Conditions:
Hereditary cancer-predisposing syndrome. Also called: Hereditary Cancer Syndrome; Hereditary neoplastic syndrome; Neoplastic Syndromes, Hereditary; Tumor predisposition. Identifiers: Orphanet 140162, MedGen C0027672, MeSH D009386, MONDO:0015356.

Submission:

Ambry Genetics
Classification: Uncertain significance for Hereditary cancer-predisposing syndrome. Last evaluated: 2025-07-25. Review status: criteria provided, single submitter. Criteria: Ambry Variant Classification Scheme 2023. Collection method: clinical testing. Allele origin: germline.
Comment: The p.I2068T variant (also known as c.6203T>C), located in coding exon 10 of the BRCA2 gene, results from a T to C substitution at nucleotide position 6203. The isoleucine at codon 2068 is replaced by threonine, an amino acid with similar properties. This amino acid position is conserved. In addition, the in silico prediction for this alteration is inconclusive. Based on the available evidence, the clinical significance of this variant remains unclear.

NM_000059.4(BRCA2):c.6203T>C (p.Ile2068Thr)

Gene: BRCA2 (BRCA2 DNA repair associated; plus strand). Cytogenetic location: 13q13.1.
Variant type: single nucleotide variant.
Coding change: c.6203T>C on transcript NM_000059.4 (MANE Select); coding-DNA position 6203, T replaced by C.
Protein change: p.Ile2068Thr; replaces isoleucine 2068 with threonine.
Molecular consequence: missense variant. On other transcripts: non-coding transcript variant (1), intron variant (2).
Genome position (GRCh38, 1-based): chr13:32,340,558, T>C. VCF-style: chr13-32340558-T-C. GRCh37 (hg19) VCF-style: chr13-32914695-T-C.
Other names: c.6203T>C, p.Ile2068Thr (NM_001406719.1, NM_001406720.1, NM_001432077.1); c.1910-4000T>C (NM_001406721.1); c.425-4000T>C (NM_001406722.1); short protein forms I2068T.
Identifiers: ClinVar variation 4215875 (VCV004215875.1).